The following is an entry in ClinVar:

NM_024675.4(PALB2):c.324C>T (p.Asn108=)

Gene: PALB2 (partner and localizer of BRCA2; minus strand). Cytogenetic location: 16p12.2.
Variant type: single nucleotide variant.
Coding change: c.324C>T on transcript NM_024675.4 (MANE Select); coding-DNA position 324, C replaced by T.
Protein change: p.Asn108=; no amino-acid change (asparagine 108 retained).
Molecular consequence: synonymous variant.
Genome position (GRCh38, 1-based): chr16:23,636,222, G>A on the plus strand (C>T on the coding strand, the complement: PALB2 is on the minus strand). VCF-style: chr16-23636222-G-A. GRCh37 (hg19) VCF-style: chr16-23647543-G-A.
Identifiers: ClinVar variation 830099 (VCV000830099.6), dbSNP rs1967054646, ClinGen allele CA494165501.

ClinVar aggregate classification (germline): Likely benign. Review status: criteria provided, multiple submitters, no conflicts (2 of 4 stars). 3 submissions from 3 submitters: Likely benign (2). 1 of the submissions does not count toward it. Last evaluated 2023-09-06.

Conditions:
Hereditary cancer-predisposing syndrome. Also called: Hereditary neoplastic syndrome; Neoplastic Syndromes, Hereditary; Tumor predisposition; Hereditary Cancer Syndrome. Identifiers: Orphanet 140162, MedGen C0027672, MeSH D009386, MONDO:0015356.
Familial cancer of breast. Also called: BREAST CANCER, FAMILIAL; Hereditary breast cancer; hereditary breast carcinoma. Identifiers: Orphanet 227535, MedGen C0346153, MONDO:0016419, OMIM 114480. Disease mechanism: loss of function.

Submissions (3):

Labcorp Genetics (formerly Invitae), Labcorp
Classification: Likely benign for Familial cancer of breast. Last evaluated: 2023-09-06. Review status: criteria provided, single submitter. Criteria: Invitae Variant Classification Sherloc (09022015). Collection method: clinical testing. Allele origin: germline.

Ambry Genetics
Classification: Likely benign for Hereditary cancer-predisposing syndrome. Last evaluated: 2019-11-18. Review status: criteria provided, single submitter. Criteria: Ambry Variant Classification Scheme 2023. Collection method: clinical testing. Allele origin: germline.

Leiden Open Variation Database
Classification: Uncertain significance. Last evaluated: 2018-08-25. Review status: no assertion criteria provided. Collection method: curation. Allele origin: germline. Affected: yes. Not counted in ClinVar's aggregate classification.
Comment: Curators: Marc Tischkowitz, Arleen D. Auerbach. Submitter to LOVD: Yukihide Momozawa.

Literature cited by the submitters: PubMed 30287823 (cited by Leiden Open Variation Database).